The following is an entry in ClinVar:

NM_024334.3(TMEM43):c.443A>G (p.Asn148Ser)

Gene: TMEM43 (transmembrane protein 43; plus strand). Cytogenetic location: 3p25.1.
Variant type: single nucleotide variant.
Coding change: c.443A>G on transcript NM_024334.3 (MANE Select); coding-DNA position 443, A replaced by G.
Protein change: p.Asn148Ser; replaces asparagine 148 with serine.
Molecular consequence: missense variant.
Genome position (GRCh38, 1-based): chr3:14,132,866, A>G. VCF-style: chr3-14132866-A-G. GRCh37 (hg19) VCF-style: chr3-14174366-A-G.
Other names: c.443A>G (NM_024334.2); short protein forms N148S.
Identifiers: ClinVar variation 1022952 (VCV001022952.10), dbSNP rs1046932119, ClinGen allele CA69730027.

ClinVar aggregate classification (germline): Conflicting classifications of pathogenicity. Review status: criteria provided, conflicting classifications (1 of 4 stars). 6 submissions from 6 submitters: Uncertain significance (5); Likely benign (1). Last evaluated 2024-12-10.

Conditions:
Cardiovascular phenotype. Identifiers: MedGen CN230736.
Cardiomyopathy (CMYO). Also called: Cardiomyopathies. Identifiers: Orphanet 167848, MedGen C0878544, MONDO:0004994, HP:0001638. Inheritance: Various modes of inheritance.
Arrhythmogenic right ventricular dysplasia 5. Also called: Arrhythmogenic Right Ventricular Dysplasia/Cardiomyopathy 5; ARRHYTHMOGENIC RIGHT VENTRICULAR DYSPLASIA, FAMILIAL, 5. Identifiers: MedGen C1858379, MONDO:0011459, OMIM 604400.

Allele frequency attached by ClinVar (database versions not stated): gnomAD exomes below 0.00001; TOPMed 0.00001.

Submissions (6):

Color Diagnostics, LLC DBA Color Health
Classification: Likely benign for Cardiomyopathy. Last evaluated: 2024-12-10. Review status: criteria provided, single submitter. Criteria: ACMG Guidelines, 2015. Collection method: clinical testing. Allele origin: germline.

GeneDx
Classification: Uncertain significance. Last evaluated: 2024-03-06. Review status: criteria provided, single submitter. Criteria: GeneDx Variant Classification Process June 2021. Collection method: clinical testing. Allele origin: germline. Affected: yes.
Comment: Has not been previously published as pathogenic or benign to our knowledge; Not observed at significant frequency in large population cohorts (gnomAD); In silico analysis supports that this missense variant does not alter protein structure/function

Ambry Genetics
Classification: Uncertain significance for Cardiovascular phenotype. Last evaluated: 2024-01-02. Review status: criteria provided, single submitter. Criteria: Ambry Variant Classification Scheme 2023. Collection method: clinical testing. Allele origin: germline.
Comment: The p.N148S variant (also known as c.443A>G) is located in coding exon 6 of the TMEM43 gene. The asparagine at codon 148 is replaced by serine, an amino acid with highly similar properties. This change occurs in the first base pair of coding exon 6. This amino acid position is conserved. In addition, this alteration is predicted to be tolerated by in silico analysis. Since supporting evidence is limited at this time, the clinical significance of this alteration remains unclear.

Labcorp Genetics (formerly Invitae), Labcorp
Classification: Uncertain significance for Arrhythmogenic right ventricular dysplasia 5. Last evaluated: 2023-11-29. Review status: criteria provided, single submitter. Criteria: Invitae Variant Classification Sherloc (09022015). Collection method: clinical testing. Allele origin: germline.
Comment: This sequence change replaces asparagine, which is neutral and polar, with serine, which is neutral and polar, at codon 148 of the TMEM43 protein (p.Asn148Ser). This variant is present in population databases (no rsID available, gnomAD no frequency). This variant has not been reported in the literature in individuals affected with TMEM43-related conditions. ClinVar contains an entry for this variant (Variation ID: 1022952). An algorithm developed to predict the effect of missense changes on protein structure and function (PolyPhen-2) suggests that this variant is likely to be tolerated. In summary, the available evidence is currently insufficient to determine the role of this variant in disease. Therefore, it has been classified as a Variant of Uncertain Significance.

Revvity Omics, Revvity
Classification: Uncertain significance. Last evaluated: 2023-11-29. Review status: criteria provided, single submitter. Criteria: ACMG Guidelines, 2015. Collection method: clinical testing. Allele origin: germline.

All of Us Research Program, National Institutes of Health
Classification: Uncertain significance for Arrhythmogenic right ventricular dysplasia 5. Last evaluated: 2023-08-15. Review status: criteria provided, single submitter. Criteria: ACMG Guidelines, 2015. Collection method: clinical testing. Allele origin: germline. Inheritance: Autosomal dominant inheritance. Observed: 3 variant alleles, 3 heterozygotes.
Comment: This missense variant replaces asparagine with serine at codon 148 of the TMEM43 protein. Computational prediction suggests that this variant may not impact protein structure and function (internally defined REVEL score threshold <= 0.5, PMID: 27666373). To our knowledge, functional studies have not been reported for this variant. This variant has not been reported in individuals affected with TMEM43-related disorders in the literature. This variant has been identified in 1/251460 chromosomes in the general population by the Genome Aggregation Database (gnomAD). The available evidence is insufficient to determine the role of this variant in disease conclusively. Therefore, this variant is classified as a Variant of Uncertain Significance.

This study involves interpretation of variants in research participants for the purpose of population health screening. Participant phenotype was not available at the time of variant classification. Additional details can be found in publication PMID: 35346344, PMCID: PMC8962531